The following is an entry in ClinVar:

NM_002907.4(RECQL):c.1541A>T (p.Lys514Ile)

Gene: RECQL (RecQ like helicase; minus strand). Cytogenetic location: 12p12.1.
Variant type: single nucleotide variant.
Coding change: c.1541A>T on transcript NM_002907.4 (MANE Select); coding-DNA position 1541, A replaced by T.
Protein change: p.Lys514Ile; replaces lysine 514 with isoleucine.
Molecular consequence: missense variant.
Genome position (GRCh38, 1-based): chr12:21,471,554, T>A on the plus strand (A>T on the coding strand, the complement: RECQL is on the minus strand). VCF-style: chr12-21471554-T-A. GRCh37 (hg19) VCF-style: chr12-21624488-T-A.
Other names: c.1541A>T, p.Lys514Ile (NM_032941.3); short protein forms K514I.
Identifiers: ClinVar variation 2446916 (VCV002446916.3), dbSNP rs990152626, ClinGen allele CA233565419.

ClinVar aggregate classification (germline): Uncertain significance (1 of 4 stars; one submission).

Allele frequency attached by ClinVar (database versions not stated): gnomAD 0.00001; TOPMed 0.00002.
gnomAD v4.1: 1 of 1,612,712 alleles (0.000062%); highest among the groups gnomAD compares: African/African-American, 0.0013%; no homozygotes.

Submission:

Ambry Genetics
Classification: Uncertain significance. Last evaluated: 2025-01-31. Review status: criteria provided, single submitter. Criteria: Ambry Variant Classification Scheme 2023. Collection method: clinical testing. Allele origin: germline.
Comment: The p.K514I variant (also known as c.1541A>T), located in coding exon 12 of the RECQL gene, results from an A to T substitution at nucleotide position 1541. The lysine at codon 514 is replaced by isoleucine, an amino acid with dissimilar properties. This amino acid position is conserved. In addition, the in silico prediction for this alteration is inconclusive. Since supporting evidence is limited at this time, the clinical significance of this alteration remains unclear.